The following is an entry in ClinVar:

NM_005359.6(SMAD4):c.787A>G (p.Asn263Asp)

Gene: SMAD4 (SMAD family member 4; plus strand). Cytogenetic location: 18q21.2.
Variant type: single nucleotide variant.
Coding change: c.787A>G on transcript NM_005359.6 (MANE Select); coding-DNA position 787, A replaced by G.
Protein change: p.Asn263Asp; replaces asparagine 263 with aspartic acid.
Molecular consequence: missense variant.
Genome position (GRCh38, 1-based): chr18:51,058,244, A>G. VCF-style: chr18-51058244-A-G. GRCh37 (hg19) VCF-style: chr18-48584614-A-G.
Other names: short protein forms N263D.
Identifiers: ClinVar variation 572847 (VCV000572847.10), dbSNP rs1568206105, ClinGen allele CA402463208.
Genomic context (GRCh38, chr18:51,058,244, plus strand): 5'-GGGCCTCAGCCAGGACAGCAGCAGAATGGATTTACTGGTCAGCCAGCTACTTACCATCAT[A>G]GTATGTACATACTTTAAAAAATCTTTTAAATAGTTGAGAAAAAAGTAGGCAGCCTTTATA-3'
Protein context (NP_005350.1, residues 253-273): FTGQPATYHH[Asn263Asp]STTTWTGSRT

ClinVar aggregate classification (germline): Uncertain significance (1 of 4 stars; one submission).

Conditions:
Juvenile polyposis syndrome (JPS). Identifiers: Orphanet 2929, MedGen C0345893, MONDO:0017380, OMIM 174900.

Submission:

Labcorp Genetics (formerly Invitae), Labcorp
Classification: Uncertain significance for Juvenile polyposis syndrome. Last evaluated: 2024-03-06. Review status: criteria provided, single submitter. Criteria: Invitae Variant Classification Sherloc (09022015). Collection method: clinical testing. Allele origin: germline.
Comment: This sequence change replaces asparagine, which is neutral and polar, with aspartic acid, which is acidic and polar, at codon 263 of the SMAD4 protein (p.Asn263Asp). This variant is not present in population databases (gnomAD no frequency). This variant has not been reported in the literature in individuals affected with SMAD4-related conditions. ClinVar contains an entry for this variant (Variation ID: 572847). An algorithm developed to predict the effect of missense changes on protein structure and function (PolyPhen-2) suggests that this variant is likely to be tolerated. In summary, the available evidence is currently insufficient to determine the role of this variant in disease. Therefore, it has been classified as a Variant of Uncertain Significance.